The following is an entry in ClinVar:

NM_000048.4(ASL):c.100del (p.Leu34fs)

Gene: ASL (argininosuccinate lyase; plus strand). Cytogenetic location: 7q11.21.
Variant type: Deletion.
Coding change: c.100del on transcript NM_000048.4 (MANE Select); coding-DNA position 100, one base deleted (C; older notation c.100delC).
Protein change: p.Leu34fs; shifts the reading frame from leucine 34.
Molecular consequence: frameshift variant.
Genome position (GRCh38, 1-based): chr7:66,081,890, C deleted; the last of 2 consecutive C bases (chr7:66,081,889-66,081,890); deleting either gives the same sequence. VCF-style (leftmost placement, unchanged base first): chr7-66081888-AC-A. GRCh37 (hg19) VCF-style: chr7-65546875-AC-A.
Other names: c.100del, p.Leu34fs (NM_001024943.2, NM_001024944.2, NM_001024946.2); short protein forms L34fs.
Identifiers: ClinVar variation 4850356 (VCV004850356.1).

ClinVar aggregate classification (germline): Likely pathogenic (1 of 4 stars; one submission).

Conditions:
Argininosuccinate lyase deficiency. Also called: Argininosuccinic aciduria; ARGININOSUCCINIC ACID LYASE DEFICIENCY; ASL DEFICIENCY. Identifiers: Orphanet 23, MedGen C0268547, MONDO:0008815, OMIM 207900, HP:0025630.

Submission:

First Genomix Gene Laboratory, Genetic Diagnostics Department
Classification: Likely pathogenic for Argininosuccinate lyase deficiency. Last evaluated: 2025-09-17. Review status: criteria provided, single submitter. Criteria: ACMG Guidelines, 2015. Collection method: clinical testing. Allele origin: germline. Inheritance: Autosomal recessive inheritance. Affected: no. Observed: 1 variant allele.